The following is an entry in ClinVar:

ClinVar aggregate classification (germline): Conflicting classifications of pathogenicity. Review status: criteria provided, conflicting classifications (1 of 4 stars). 5 submissions from 5 submitters: Uncertain significance (3); Likely benign (1). 1 of the submissions does not count toward it. Last evaluated 2023-03-13.

Conditions:
Cardiovascular phenotype. Identifiers: MedGen CN230736.
Alstrom syndrome (ALMS). Identifiers: Orphanet 64, MedGen C0268425, MONDO:0008763, OMIM 203800.

Allele frequency attached by ClinVar (database versions not stated): gnomAD below 0.00001 and 0.00003; TOPMed 0.00002; gnomAD exomes 0.00011 and 0.00017; 1000 Genomes Project 0.00020; ExAC 0.00020; 1000 Genomes Project 30x 0.00031.
gnomAD v4.1: 169 of 1,613,976 alleles (0.01%); highest among the groups gnomAD compares: South Asian, 0.16%; 1 homozygote.

Submissions (5):

Ambry Genetics
Classification: Likely benign for Cardiovascular phenotype. Last evaluated: 2023-03-13. Review status: criteria provided, single submitter. Criteria: Ambry Variant Classification Scheme 2023. Collection method: clinical testing. Allele origin: germline.

Labcorp Genetics (formerly Invitae), Labcorp
Classification: Uncertain significance for Alstrom syndrome. Last evaluated: 2022-05-16. Review status: criteria provided, single submitter. Criteria: Invitae Variant Classification Sherloc (09022015). Collection method: clinical testing. Allele origin: germline.
Comment: This sequence change replaces histidine, which is basic and polar, with arginine, which is basic and polar, at codon 2947 of the ALMS1 protein (p.His2947Arg). This variant is present in population databases (rs574785830, gnomAD 0.1%). This variant has not been reported in the literature in individuals affected with ALMS1-related conditions. ClinVar contains an entry for this variant (Variation ID: 506219). In summary, the available evidence is currently insufficient to determine the role of this variant in disease. Therefore, it has been classified as a Variant of Uncertain Significance.

GeneDx
Classification: Uncertain significance. Last evaluated: 2019-10-23. Review status: criteria provided, single submitter. Criteria: GeneDx Variant Classification Process June 2021. Collection method: clinical testing. Allele origin: germline. Affected: yes.
Comment: Has not been previously published as pathogenic or benign to our knowledge; Reported in ClinVar as a variant of uncertain significance (ClinVar Variant ID# 506219; Landrum et al., 2016); In silico analysis supports that this missense variant has a deleterious effect on protein structure/function

Laboratory for Molecular Medicine, Mass General Brigham Personalized Medicine
Classification: Uncertain significance. Last evaluated: 2017-12-14. Review status: criteria provided, single submitter. Criteria: LMM Criteria. Collection method: clinical testing. Allele origin: germline. Observed: 1 variant allele.
Comment: The p.His2945Arg variant in ALMS1 has not been previously reported in individual s with hearing loss, but has been identified in 0.14% (42/30780) of South Asian chromosomes by the Genome Aggregation Database (gnomAD; dbSNP rs574785830). Although this variant has been seen in the gener al population, its frequency is not high enough to rule out a pathogenic role. C omputational prediction tools and conservation analysis do not provide strong su pport for or against an impact to the protein. In summary, the clinical signific ance of the p.His2945Arg variant is uncertain. ACMG/AMP Criteria applied: None.

Natera, Inc.
Classification: Uncertain significance for Alstrom syndrome. Last evaluated: 2019-10-28. Review status: no assertion criteria provided. Collection method: clinical testing. Allele origin: germline. Not counted in ClinVar's aggregate classification.

NM_001378454.1(ALMS1):c.8837A>G (p.His2946Arg)

Gene: ALMS1 (ALMS1 centrosome and basal body associated protein; plus strand). Cytogenetic location: 2p13.1.
Variant type: single nucleotide variant.
Coding change: c.8837A>G on transcript NM_001378454.1 (MANE Select); coding-DNA position 8837, A replaced by G.
Protein change: p.His2946Arg; replaces histidine 2946 with arginine.
Molecular consequence: missense variant.
Genome position (GRCh38, 1-based): chr2:73,490,796, A>G. VCF-style: chr2-73490796-A-G. GRCh37 (hg19) VCF-style: chr2-73717923-A-G.
Other names: NM_015120.4:c.8834A>G; p.His2945Arg; c.8840A>G, p.His2947Arg (NM_015120.4); short protein forms H2947R, H2946R.
Identifiers: ClinVar variation 506219 (VCV000506219.12), dbSNP rs574785830, ClinGen allele CA1714555.